The following is an entry in ClinVar:

NM_001159773.2(CANT1):c.798C>A (p.Tyr266Ter)

Gene: CANT1 (calcium activated nucleotidase 1; minus strand). Cytogenetic location: 17q25.3.
Variant type: single nucleotide variant.
Coding change: c.798C>A on transcript NM_001159773.2 (MANE Select); coding-DNA position 798, C replaced by A.
Protein change: p.Tyr266Ter; replaces tyrosine 266 with a stop codon.
Molecular consequence: nonsense.
Genome position (GRCh38, 1-based): chr17:78,995,055, G>T on the plus strand (C>A on the coding strand, the complement: CANT1 is on the minus strand). VCF-style: chr17-78995055-G-T. GRCh37 (hg19) VCF-style: chr17-76991137-G-T.
Other names: c.798C>A, p.Tyr266Ter (NM_001159772.2, NM_138793.4); short protein forms Y266*.
Identifiers: ClinVar variation 2841703 (VCV002841703.3), dbSNP rs751515174, ClinGen allele CA401307041.
Genomic context (GRCh38, chr17:78,995,055, plus strand): 5'-GGGCTGGGGCAGGCGTCTCTTACCTGGCGGCTGGATGCCGGCAGCAGCCCGCAGGGCGTT[G>T]TAGTTGGACACCCAGTTCTCGTGGTCCACGCTGCCCTTGTAGCCCACCACCTTCACCCAC-3'

ClinVar aggregate classification (germline): Pathogenic (1 of 4 stars; one submission).

Submission:

Labcorp Genetics (formerly Invitae), Labcorp
Classification: Pathogenic. Last evaluated: 2023-03-01. Review status: criteria provided, single submitter. Criteria: Invitae Variant Classification Sherloc (09022015). Collection method: clinical testing. Allele origin: germline.
Comment: For these reasons, this variant has been classified as Pathogenic. This variant disrupts a region of the CANT1 protein in which other variant(s) (p.Arg300Cys) have been determined to be pathogenic (PMID: 19853239, 21037275). This suggests that this is a clinically significant region of the protein, and that variants that disrupt it are likely to be disease-causing. This variant has not been reported in the literature in individuals affected with CANT1-related conditions. This variant is not present in population databases (gnomAD no frequency). This sequence change creates a premature translational stop signal (p.Tyr266*) in the CANT1 gene. While this is not anticipated to result in nonsense mediated decay, it is expected to disrupt the last 136 amino acid(s) of the CANT1 protein.

Literature cited by the submitters: PubMed 19853239; PubMed 21037275.